The following is an entry in ClinVar:

NM_001999.4(FBN2):c.4434G>A (p.Met1478Ile)

Gene: FBN2 (fibrillin 2; minus strand). Cytogenetic location: 5q23.3.
Variant type: single nucleotide variant.
Coding change: c.4434G>A on transcript NM_001999.4 (MANE Select); coding-DNA position 4434, G replaced by A.
Protein change: p.Met1478Ile; replaces methionine 1478 with isoleucine.
Molecular consequence: missense variant.
Genome position (GRCh38, 1-based): chr5:128,328,733, C>T on the plus strand (G>A on the coding strand, the complement: FBN2 is on the minus strand). VCF-style: chr5-128328733-C-T. GRCh37 (hg19) VCF-style: chr5-127664425-C-T.
Other names: short protein forms M1478I.
Identifiers: ClinVar variation 3572579 (VCV003572579.1).

ClinVar aggregate classification (germline): Uncertain significance (1 of 4 stars; one submission).

Submission:

GeneDx
Classification: Uncertain significance. Last evaluated: 2024-07-08. Review status: criteria provided, single submitter. Criteria: GeneDx Variant Classification Process June 2021. Collection method: clinical testing. Allele origin: germline. Affected: yes.
Comment: Not observed at significant frequency in large population cohorts (gnomAD); In silico analysis supports that this missense variant has a deleterious effect on protein structure/function; Has not been previously published as pathogenic or benign to our knowledge; Although located in a calcium-binding EGF-like domain of the FBN2 gene, it does not substitute or introduce a cysteine residue (PMID: 19006240, 18767143); This variant is associated with the following publications: (PMID: 19006240, 18767143)